The following is an entry in ClinVar:

ClinVar aggregate classification (germline): Benign. Review status: reviewed by expert panel (3 of 4 stars). 3 submissions from 3 submitters: Benign (1). 2 of the submissions do not count toward it. Last evaluated 2015-01-12.

Conditions:
Breast-ovarian cancer, familial, susceptibility to, 2 (BROVCA2). Also called: BRCA2 Hereditary Breast and Ovarian Cancer. Identifiers: Orphanet 145, MedGen C2675520, MONDO:0012933, OMIM 612555. Disease mechanism: loss of function.

Allele frequency attached by ClinVar (database versions not stated): 1000 Genomes Project 0.18450; gnomAD 0.20819 and 0.20347; 1000 Genomes Project 30x 0.18582; TOPMed 0.20483.
gnomAD v4.1: 30,903 of 151,952 alleles (20%); highest among the groups gnomAD compares: African/African-American, 24%; 3,329 homozygotes.

Submissions (3):

Evidence-based Network for the Interpretation of Germline Mutant Alleles (ENIGMA)
Classification: Benign for Breast-ovarian cancer, familial 2. Last evaluated: 2015-01-12. Review status: reviewed by expert panel. Criteria: ENIGMA BRCA1/2 Classification Criteria (2015). Collection method: curation. Allele origin: germline.
Comment: Class 1 not pathogenic based on frequency >1% in an outbred sampleset. Frequency 0.07343 (Asian), 0.3049 (African), 0.2018 (European), derived from 1000 genomes (2012-04-30).

GeneDx
Classification: Benign. Last evaluated: 2018-07-09. Review status: criteria provided, single submitter. Criteria: GeneDx Variant Classification Process June 2021. Collection method: clinical testing. Allele origin: germline. Affected: yes. Not counted in ClinVar's aggregate classification.

PreventionGenetics, part of Exact Sciences
Classification: Benign. Review status: criteria provided, single submitter. Criteria: ACMG Guidelines, 2015. Collection method: clinical testing. Allele origin: germline. Not counted in ClinVar's aggregate classification.

NM_000059.4(BRCA2):c.6937+736A>T

Gene: BRCA2 (BRCA2 DNA repair associated; plus strand). Cytogenetic location: 13q13.1.
Variant type: single nucleotide variant.
Coding change: c.6937+736A>T on transcript NM_000059.4 (MANE Select); 736 bases into the intron after coding-DNA position 6937, A replaced by T.
Molecular consequence: intron variant.
Genome position (GRCh38, 1-based): chr13:32,345,389, A>T. VCF-style: chr13-32345389-A-T. GRCh37 (hg19) VCF-style: chr13-32919526-A-T.
Other names: IVS 12+736A>T.
Identifiers: ClinVar variation 209707 (VCV000209707.4), dbSNP rs4942443, ClinGen allele CA276675.